The following is an entry in ClinVar:

NM_001999.4(FBN2):c.1624A>G (p.Asn542Asp)

Gene: FBN2 (fibrillin 2; minus strand). Cytogenetic location: 5q23.3.
Variant type: single nucleotide variant.
Coding change: c.1624A>G on transcript NM_001999.4 (MANE Select); coding-DNA position 1624, A replaced by G.
Protein change: p.Asn542Asp; replaces asparagine 542 with aspartic acid.
Molecular consequence: missense variant.
Genome position (GRCh38, 1-based): chr5:128,378,870, T>C on the plus strand (A>G on the coding strand, the complement: FBN2 is on the minus strand). VCF-style: chr5-128378870-T-C. GRCh37 (hg19) VCF-style: chr5-127714563-T-C.
Other names: c.1624A>G (NM_001999.3); short protein forms N542D.
Identifiers: ClinVar variation 1411143 (VCV001411143.7), dbSNP rs781622385, ClinGen allele CA3395750.
Genomic context (GRCh38, chr5:128,378,870, plus strand): 5'-CATGACATTTACAATAATAGGAACCAGGTGTGTTAACACAATCTCCATTAGTGCAGGGAT[T>C]TGATGTGCATTCATCAACATCTGTGAGCAGCAAAAGAAACCATTATAGACTTCACTCCAT-3'
Protein context (NP_001990.2, residues 532-552): DCIDVDECTS[Asn542Asp]PCTNGDCVNT

ClinVar aggregate classification (germline): Uncertain significance. Review status: criteria provided, multiple submitters, no conflicts (2 of 4 stars). 2 submissions from 2 submitters: Uncertain significance (2). Last evaluated 2024-10-05.

Conditions:
Familial thoracic aortic aneurysm and aortic dissection (TAAD). Also called: Thoracic aortic aneurysms and dissections. Identifiers: Orphanet 91387, MedGen C4707243, MONDO:0019625.
Congenital contractural arachnodactyly (CCA). Also called: Arthrogryposis, distal, type 9; BEALS SYNDROME; Beals-Hecht syndrome. Identifiers: Orphanet 115, MedGen C0220668, MONDO:0007363, OMIM 121050.

Allele frequency attached by ClinVar (database versions not stated): gnomAD exomes below 0.00001; ExAC 0.00001; TOPMed 0.00001.
gnomAD v4.1: 5 of 1,613,156 alleles (0.00031%); highest among the groups gnomAD compares: Admixed American, 0.0017%; no homozygotes.

Submissions (2):

Ambry Genetics
Classification: Uncertain significance for Familial thoracic aortic aneurysm and aortic dissection. Last evaluated: 2024-10-05. Review status: criteria provided, single submitter. Criteria: Ambry Variant Classification Scheme 2023. Collection method: clinical testing. Allele origin: germline.
Comment: The p.N542D variant (also known as c.1624A>G), located in coding exon 12 of the FBN2 gene, results from an A to G substitution at nucleotide position 1624. The asparagine at codon 542 is replaced by aspartic acid, an amino acid with highly similar properties. This amino acid position is highly conserved in available vertebrate species. In addition, this alteration is predicted to be tolerated by in silico analysis. Based on the available evidence, the clinical significance of this variant remains unclear.

Labcorp Genetics (formerly Invitae), Labcorp
Classification: Uncertain significance for Congenital contractural arachnodactyly. Last evaluated: 2021-08-01. Review status: criteria provided, single submitter. Criteria: Invitae Variant Classification Sherloc (09022015). Collection method: clinical testing. Allele origin: germline.
Comment: In summary, the available evidence is currently insufficient to determine the role of this variant in disease. Therefore, it has been classified as a Variant of Uncertain Significance. Algorithms developed to predict the effect of sequence changes on RNA splicing suggest that this variant may create or strengthen a splice site. Advanced modeling of protein sequence and biophysical properties (such as structural, functional, and spatial information, amino acid conservation, physicochemical variation, residue mobility, and thermodynamic stability) performed at Invitae indicates that this missense variant is not expected to disrupt FBN2 protein function. This variant has not been reported in the literature in individuals affected with FBN2-related conditions. This variant is present in population databases (rs781622385, ExAC 0.009%). This sequence change replaces asparagine with aspartic acid at codon 542 of the FBN2 protein (p.Asn542Asp). The asparagine residue is highly conserved and there is a small physicochemical difference between asparagine and aspartic acid.